The following is an entry in ClinVar:

ClinVar aggregate classification (germline): Uncertain significance (3 of 4 stars; one submission).

Conditions:
Malignant hyperthermia, susceptibility to, 1 (MHS1). Also called: RYR1-Related Malignant Hyperthermia Susceptibility; Anesthesia related hyperthermia; Malignant hyperpyrexia; Fulminating hyperpyrexia; Pharmacogenic myopathy; Malignant hyperthermia suceptibility 1. Identifiers: Orphanet 423, MedGen C2930980, MONDO:0007783, OMIM 145600.

Submission:

ClinGen Malignant Hyperthermia Susceptibility Variant Curation Expert Panel, ClinGen
Classification: Uncertain significance for Malignant hyperthermia, susceptibility to, 1. Last evaluated: 2025-08-01. Review status: reviewed by expert panel. Criteria: ClinGen MHS ACMG Specifications V2. Collection method: curation. Allele origin: germline. Inheritance: Autosomal dominant inheritance.
Comment: This pathogenicity assessment is relevant only for malignant hyperthermia susceptibility (MHS) inherited in an autosomal dominant pattern. Variants in RYR1 can also cause other myopathies inherited in an autosomal dominant pattern or in an autosomal recessive pattern. Some of these disorders may predispose individuals to malignant hyperthermia. RYR1 variants may also contribute to a malignant hyperthermia reaction in combination with other genetic and non-genetic factors and the clinician needs to consider such factors in making management decisions. This sequence variant predicts a substitution of alanine with proline at codon 612 of the RYR1 protein, p.Ala612Pro. This variant was not present in a large population database (gnomAD) at the time this variant was interpreted. This variant has been reported in an individual with a personal or family history of an MH episode and a positive in vitro contracture test (IVCT) or caffeine halothane contracture test (CHCT) result (if the proband was unavailable for testing, a positive diagnostic test result in a mutation-positive relative was counted), PS4_Supporting (PMID:22415532). No functional studies were identified for this variant. This variant does not reside in a hotspot for pathogenic variants that contribute to MHS. This variant segregates with MHS in 3 individuals, PP1 (PMID:22415532). A REVEL score >0.85 (0.971) supports a pathogenic status for this variant, PP3_Moderate. This variant has been classified as a Variant of Unknown Significance. Criteria implemented: PS4_Supporting, PP1, PP3_Moderate.

NM_000540.3(RYR1):c.1834G>C (p.Ala612Pro)

Gene: RYR1 (ryanodine receptor 1; plus strand). Cytogenetic location: 19q13.2.
Variant type: single nucleotide variant.
Coding change: c.1834G>C on transcript NM_000540.3 (MANE Select); coding-DNA position 1834, G replaced by C.
Protein change: p.Ala612Pro; replaces alanine 612 with proline.
Molecular consequence: missense variant.
Genome position (GRCh38, 1-based): chr19:38,457,539, G>C. VCF-style: chr19-38457539-G-C. GRCh37 (hg19) VCF-style: chr19-38948179-G-C.
Other names: c.1834G>C, p.Ala612Pro (NM_001042723.2); short protein forms A612P.
Identifiers: ClinVar variation 1210299 (VCV001210299.3), dbSNP rs118204423, ClinGen allele CA308125185.